The following is an entry in ClinVar:

ClinVar aggregate classification (germline): Uncertain significance (1 of 4 stars; one submission).

Conditions:
TRIM32-related disorder. Also called: TRIM32-related condition.

Submission:

PreventionGenetics, part of Exact Sciences
Classification: Uncertain significance for TRIM32-related condition. Last evaluated: 2026-07-02. Review status: criteria provided, single submitter. Criteria: ACMG Guidelines, 2015. Collection method: clinical testing. Allele origin: germline.
Comment: The TRIM32 c.1562G>T variant is predicted to result in the amino acid substitution p.Cys521Phe. To our knowledge, this variant has not been reported in the literature or in a large population database (gnomAD), indicating this variant is rare. At this time, the clinical significance of this variant is uncertain due to the absence of conclusive functional and genetic evidence.

NM_012210.4(TRIM32):c.1562G>T (p.Cys521Phe)

Genes: ASTN2 (astrotactin 2; minus strand), TRIM32 (tripartite motif containing 32; plus strand). Cytogenetic location: 9q33.1.
Variant type: single nucleotide variant.
Coding change: c.1562G>T on transcript NM_012210.4 (MANE Select); coding-DNA position 1562, G replaced by T.
Protein change: p.Cys521Phe; replaces cysteine 521 with phenylalanine.
Molecular consequence: missense variant. On other transcripts: intron variant (3).
Genome position (GRCh38, 1-based): chr9:116,699,304, G>T. VCF-style: chr9-116699304-G-T. GRCh37 (hg19) VCF-style: chr9-119461583-G-T.
Other names: c.1562G>T, p.Cys521Phe (NM_001099679.2, NM_001379048.1, NM_001379049.1 and 1 more transcripts); c.2653+26467C>A (NM_014010.5); c.2794+26467C>A (NM_001365069.1); c.2806+26467C>A (NM_001365068.1); short protein forms C521F.
Identifiers: ClinVar variation 4987681 (VCV004987681.1).